The following is an entry in ClinVar:

NM_001260.3(CDK8):c.521T>C (p.Met174Thr)

Gene: CDK8 (cyclin dependent kinase 8; plus strand). Cytogenetic location: 13q12.13.
Variant type: single nucleotide variant.
Coding change: c.521T>C on transcript NM_001260.3 (MANE Select); coding-DNA position 521, T replaced by C.
Protein change: p.Met174Thr; replaces methionine 174 with threonine.
Molecular consequence: missense variant. On other transcripts: initiator codon variant (1).
Genome position (GRCh38, 1-based): chr13:26,385,217, T>C. VCF-style: chr13-26385217-T-C. GRCh37 (hg19) VCF-style: chr13-26959354-T-C.
Other names: c.521T>C, p.Met174Thr (NM_001318368.2); c.2T>C, p.Met1Thr (NM_001346501.2); short protein forms M174T, M1T.
Identifiers: ClinVar variation 4538915 (VCV004538915.1).

ClinVar aggregate classification (germline): Likely pathogenic (1 of 4 stars; one submission).

Submission:

GeneDx
Classification: Likely pathogenic. Last evaluated: 2025-06-17. Review status: criteria provided, single submitter. Criteria: GeneDx Variant Classification Process June 2021. Collection method: clinical testing. Allele origin: germline. Affected: yes.
Comment: Not observed at significant frequency in large population cohorts (gnomAD); In silico analysis supports that this missense variant has a deleterious effect on protein structure/function; Has not been previously published as pathogenic or benign to our knowledge